The following is an entry in ClinVar:

NM_001042492.3(NF1):c.3871-17T>C

Gene: NF1 (neurofibromin 1; plus strand). Cytogenetic location: 17q11.2.
Variant type: single nucleotide variant.
Coding change: c.3871-17T>C on transcript NM_001042492.3 (MANE Select); 17 bases into the intron before coding-DNA position 3871, T replaced by C.
Molecular consequence: intron variant.
Genome position (GRCh38, 1-based): chr17:31,235,901, T>C. VCF-style: chr17-31235901-T-C. GRCh37 (hg19) VCF-style: chr17-29562919-T-C.
Other names: c.3871-17T>C (NM_000267.4).
Identifiers: ClinVar variation 1559596 (VCV001559596.9), dbSNP rs772406340, ClinGen allele CA8486261.

ClinVar aggregate classification (germline): Likely benign. Review status: criteria provided, multiple submitters, no conflicts (2 of 4 stars). 2 submissions from 2 submitters: Likely benign (2). Last evaluated 2026-05-12.

Conditions:
Neurofibromatosis, type 1 (NF1). Also called: VON RECKLINGHAUSEN DISEASE; Neurofibromatosis, type I; NEUROFIBROMATOSIS, TYPE I, SOMATIC; Peripheral type neurofibromatosis. Identifiers: Orphanet 636, MedGen C0027831, MONDO:0018975, OMIM 162200. Disease mechanism: loss of function.

Allele frequency attached by ClinVar (database versions not stated): gnomAD 0.00001; gnomAD exomes below 0.00001 and 0.00001; TOPMed 0.00001; ExAC 0.00001.
gnomAD v4.1: 3 of 1,610,654 alleles (0.00019%); highest among the groups gnomAD compares: Admixed American, 0.005%; no homozygotes.

Submissions (2):

Myriad Genetics, Inc.
Classification: Likely benign for Neurofibromatosis, type 1. Last evaluated: 2026-05-12. Review status: criteria provided, single submitter. Criteria: Myriad Autosomal Dominant, Autosomal Recessive and X-Linked Classification Criteria (2023). Collection method: clinical testing. Allele origin: unknown.
Comment: This variant is considered likely benign. This variant is intronic and is not expected to impact mRNA splicing.

Labcorp Genetics (formerly Invitae), Labcorp
Classification: Likely benign for Neurofibromatosis, type 1. Last evaluated: 2026-01-19. Review status: criteria provided, single submitter. Criteria: Invitae Variant Classification Sherloc (09022015). Collection method: clinical testing. Allele origin: germline.